The following is an entry in ClinVar:

ClinVar aggregate classification (germline): Uncertain significance (1 of 4 stars; one submission).

Allele frequency attached by ClinVar (database versions not stated): gnomAD 0.00001; gnomAD exomes 0.00001; TOPMed 0.00001.
gnomAD v4.1: 10 of 1,573,856 alleles (0.00064%); highest among the groups gnomAD compares: African/African-American, 0.0014%; no homozygotes.

Submission:

Labcorp Genetics (formerly Invitae), Labcorp
Classification: Uncertain significance. Last evaluated: 2026-01-26. Review status: criteria provided, single submitter. Criteria: Invitae Variant Classification Sherloc (09022015). Collection method: clinical testing. Allele origin: germline.
Comment: This sequence change falls in intron 5 of the IL6ST gene. It does not directly change the encoded amino acid sequence of the IL6ST protein. It affects a nucleotide within the consensus splice site. This variant is not present in population databases (gnomAD no frequency). This variant has not been reported in the literature in individuals affected with IL6ST-related conditions. ClinVar contains an entry for this variant (Variation ID: 1939732). Variants that disrupt the consensus splice site are a relatively common cause of aberrant splicing (PMID: 17576681, 9536098). Algorithms developed to predict the effect of sequence changes on RNA splicing suggest that this variant may disrupt the consensus splice site. In summary, the available evidence is currently insufficient to determine the role of this variant in disease. Therefore, it has been classified as a Variant of Uncertain Significance.

Literature cited by the submitters: PubMed 17576681; PubMed 9536098.

NM_002184.4(IL6ST):c.491+5G>A

Gene: IL6ST (interleukin 6 cytokine family signal transducer; minus strand). Cytogenetic location: 5q11.2.
Variant type: single nucleotide variant.
Coding change: c.491+5G>A on transcript NM_002184.4 (MANE Select); 5 bases into the intron after coding-DNA position 491, G replaced by A.
Molecular consequence: intron variant.
Genome position (GRCh38, 1-based): chr5:55,968,271, C>T on the plus strand (G>A on the coding strand, the complement: IL6ST is on the minus strand). VCF-style: chr5-55968271-C-T. GRCh37 (hg19) VCF-style: chr5-55264099-C-T.
Other names: c.281+5G>A (NM_001364276.2); c.-423+1279G>A (NM_001364279.2, NM_001364277.2); c.-413+1279G>A (NM_001364278.2); c.491+5G>A (NM_175767.3, NM_001190981.2, NM_001364275.2).
Identifiers: ClinVar variation 1939732 (VCV001939732.5), dbSNP rs755812537, ClinGen allele CA119052358.